The following is an entry in ClinVar:

NM_006201.5(CDK16):c.1294C>T (p.Arg432Ter)

Gene: CDK16 (cyclin dependent kinase 16; plus strand). Cytogenetic location: Xp11.3.
Variant type: single nucleotide variant.
Coding change: c.1294C>T on transcript NM_006201.5 (MANE Select); coding-DNA position 1294, C replaced by T.
Protein change: p.Arg432Ter; replaces arginine 432 with a stop codon.
Molecular consequence: nonsense.
Genome position (GRCh38, 1-based): chrX:47,227,388, C>T. VCF-style: chrX-47227388-C-T. GRCh37 (hg19) VCF-style: chrX-47086787-C-T.
Other names: c.1516C>T, p.Arg506Ter (NM_001170460.2); c.1312C>T, p.Arg438Ter (NM_033018.4); short protein forms R432*, R438*, R506*.
Identifiers: ClinVar variation 1703099 (VCV001703099.3), dbSNP rs2521846375, ClinGen allele CA412821537.

ClinVar aggregate classification (germline): Uncertain significance (1 of 4 stars; one submission).

Submission:

Greenwood Genetic Center Diagnostic Laboratories, Greenwood Genetic Center
Classification: Uncertain significance. Last evaluated: 2022-06-09. Review status: criteria provided, single submitter. Criteria: ACMG Guidelines, 2015. Collection method: clinical testing. Allele origin: germline. Affected: yes.
Comment: Gene of Uncertain Significance